The following is an entry in ClinVar:

NM_000548.5(TSC2):c.3115dup (p.Thr1039fs)

Gene: TSC2 (TSC complex subunit 2; plus strand). Cytogenetic location: 16p13.3.
Variant type: Duplication.
Coding change: c.3115dup on transcript NM_000548.5 (MANE Select); coding-DNA position 3115, one base duplicated (A; older notation c.3115dupA).
Protein change: p.Thr1039fs; shifts the reading frame from threonine 1039.
Molecular consequence: frameshift variant. On other transcripts: non-coding transcript variant (5).
Genome position (GRCh38, 1-based): chr16:2,079,180, A duplicated. VCF-style (leftmost placement, unchanged base first): chr16-2079179-C-CA. GRCh37 (hg19) VCF-style: chr16-2129180-C-CA.
Other names: c.2983dup, p.Thr995fs (NM_001077183.3, NM_001370404.1, NM_001406665.1); c.3115dup, p.Thr1039fs (NM_001114382.3); c.2875dup, p.Thr959fs (NM_001318827.2); c.2839dup, p.Thr947fs (NM_001318829.2); c.2383dup, p.Thr795fs (NM_001318831.2, NM_001406687.1, NM_001406688.1); c.3016dup, p.Thr1006fs (NM_001318832.2); c.2971dup, p.Thr991fs (NM_001406673.1); c.2968dup, p.Thr990fs (NM_001406675.1); and 18 more; short protein forms T1002fs, T461fs, T1006fs, T1025fs, T1026fs, T1039fs, T795fs, T842fs.
Identifiers: ClinVar variation 3648539 (VCV003648539.2).

ClinVar aggregate classification (germline): Pathogenic (1 of 4 stars; one submission).

Conditions:
Tuberous sclerosis 2 (TSC2). Identifiers: Orphanet 805, MedGen C1860707, MONDO:0013199, OMIM 613254.

Submission:

Labcorp Genetics (formerly Invitae), Labcorp
Classification: Pathogenic for Tuberous sclerosis 2. Last evaluated: 2024-04-02. Review status: criteria provided, single submitter. Criteria: Invitae Variant Classification Sherloc (09022015). Collection method: clinical testing. Allele origin: germline.
Comment: This sequence change creates a premature translational stop signal (p.Thr1039Asnfs*129) in the TSC2 gene. It is expected to result in an absent or disrupted protein product. Loss-of-function variants in TSC2 are known to be pathogenic (PMID: 10205261, 17304050). This variant is not present in population databases (gnomAD no frequency). This variant has not been reported in the literature in individuals affected with TSC2-related conditions. For these reasons, this variant has been classified as Pathogenic.

Literature cited by the submitters: PubMed 10205261; PubMed 17304050.